The following is an entry in ClinVar:

NM_005956.4(MTHFD1):c.223A>T (p.Thr75Ser)

Gene: MTHFD1 (methylenetetrahydrofolate dehydrogenase, cyclohydrolase and formyltetrahydrofolate synthetase 1; plus strand). Cytogenetic location: 14q23.3.
Variant type: single nucleotide variant.
Coding change: c.223A>T on transcript NM_005956.4 (MANE Select); coding-DNA position 223, A replaced by T.
Protein change: p.Thr75Ser; replaces threonine 75 with serine.
Molecular consequence: missense variant.
Genome position (GRCh38, 1-based): chr14:64,412,508, A>T. VCF-style: chr14-64412508-A-T. GRCh37 (hg19) VCF-style: chr14-64879226-A-T.
Other names: c.223A>T, p.Thr75Ser (NM_001364837.1); short protein forms T75S.
Identifiers: ClinVar variation 1439225 (VCV001439225.6), dbSNP rs766740356, ClinGen allele CA7225875.

ClinVar aggregate classification (germline): Uncertain significance (1 of 4 stars; one submission).

Allele frequency attached by ClinVar (database versions not stated): gnomAD exomes below 0.00001; ExAC 0.00001; TOPMed 0.00004; gnomAD 0.00007 and 0.00008.
gnomAD v4.1: 12 of 1,613,454 alleles (0.00074%); highest among the groups gnomAD compares: African/African-American, 0.016%; no homozygotes.

Submission:

Labcorp Genetics (formerly Invitae), Labcorp
Classification: Uncertain significance. Last evaluated: 2024-05-14. Review status: criteria provided, single submitter. Criteria: Invitae Variant Classification Sherloc (09022015). Collection method: clinical testing. Allele origin: germline.
Comment: This sequence change replaces threonine, which is neutral and polar, with serine, which is neutral and polar, at codon 75 of the MTHFD1 protein (p.Thr75Ser). This variant is present in population databases (rs766740356, gnomAD 0.02%). This variant has not been reported in the literature in individuals affected with MTHFD1-related conditions. ClinVar contains an entry for this variant (Variation ID: 1439225). Advanced modeling of protein sequence and biophysical properties (such as structural, functional, and spatial information, amino acid conservation, physicochemical variation, residue mobility, and thermodynamic stability) performed at Invitae indicates that this missense variant is not expected to disrupt MTHFD1 protein function with a negative predictive value of 80%. In summary, the available evidence is currently insufficient to determine the role of this variant in disease. Therefore, it has been classified as a Variant of Uncertain Significance.